The following is an entry in ClinVar:

ClinVar aggregate classification (germline): Pathogenic (1 of 4 stars; one submission).

Submission:

GeneDx
Classification: Pathogenic. Last evaluated: 2017-01-27. Review status: criteria provided, single submitter. Criteria: GeneDx Variant Classification (06012015). Collection method: clinical testing. Allele origin: germline. Affected: yes.
Comment: Although the c.139_145dupGGCGGCG variant in the KCNQ1 gene has not been reported to our knowledge, this variant causes a shift in reading frame starting at codon Alanine 49, changing it to a Glycine, and creating a premature stop codon at position 238 of the new reading frame, denoted p.Ala49GlyfsX238. This variant is expected to result in either an abnormal, truncated protein product or loss of protein from this allele through nonsense-mediated mRNA decay. Multiple downstream frameshift variants in the KCNQ1 gene have been reported in HGMD in association with LQTS and Jervell and Lange-Nielson syndrome (Stenson et al., 2014), suggesting truncated variants are a mechanism of disease for KCNQ1. Lastly, data from control individuals in the large population databases is not available to assess whether the c.139_145dupGGCGGCG variant may be a common benign variant in the general population; however, this variant has not been detected previously in the internal database at GeneDx.In summary, c.139_145dupGGCGGCG in the KCNQ1 gene is interpreted as a pathogenic variant.

NM_000218.3(KCNQ1):c.139_145dup (p.Ala49fs)

Gene: KCNQ1 (potassium voltage-gated channel subfamily Q member 1; plus strand). Cytogenetic location: 11p15.5.
Variant type: Duplication.
Coding change: c.139_145dup on transcript NM_000218.3 (MANE Select); coding-DNA positions 139 to 145, 7 bases duplicated (GGCGGCG; older notation c.139_145dupGGCGGCG).
Protein change: p.Ala49fs; shifts the reading frame from alanine 49.
Molecular consequence: frameshift variant.
Genome position (GRCh38, 1-based): chr11:2,445,237-2,445,243, GGCGGCG duplicated; duplicating any 7 consecutive bases within chr11:2,445,232-2,445,243 gives the same sequence; the c. name uses the placement nearest the transcript's 3' end. VCF-style (leftmost placement, unchanged base first): chr11-2445231-C-CCGGCGGG. GRCh37 (hg19) VCF-style: chr11-2466461-C-CCGGCGGG.
Other names: c.139_145dupGGCGGCG (NM_000218.2); short protein forms A49fs.
Identifiers: ClinVar variation 420658 (VCV000420658.2), dbSNP rs1554958049, ClinGen allele CA16619304.